The following is an entry in ClinVar:

NM_018249.6(CDK5RAP2):c.3004C>G (p.Pro1002Ala)

Gene: CDK5RAP2 (CDK5 regulatory subunit associated protein 2; minus strand). Cytogenetic location: 9q33.2.
Variant type: single nucleotide variant.
Coding change: c.3004C>G on transcript NM_018249.6 (MANE Select); coding-DNA position 3004, C replaced by G.
Protein change: p.Pro1002Ala; replaces proline 1002 with alanine.
Molecular consequence: missense variant. On other transcripts: non-coding transcript variant (5).
Genome position (GRCh38, 1-based): chr9:120,447,916, G>C on the plus strand (C>G on the coding strand, the complement: CDK5RAP2 is on the minus strand). VCF-style: chr9-120447916-G-C. GRCh37 (hg19) VCF-style: chr9-123210194-G-C.
Other names: c.3004C>G, p.Pro1002Ala (NM_001011649.3); c.2314C>G, p.Pro772Ala (NM_001272039.2); c.2905C>G, p.Pro969Ala (NM_001410992.1); c.2908C>G, p.Pro970Ala (NM_001410993.1); c.3001C>G, p.Pro1001Ala (NM_001410994.1); short protein forms P969A, P1001A, P1002A, P772A, P970A.
Identifiers: ClinVar variation 2143598 (VCV002143598.2), dbSNP rs370366333, ClinGen allele CA5213941.

ClinVar aggregate classification (germline): Uncertain significance (1 of 4 stars; one submission).

Allele frequency attached by ClinVar (database versions not stated): gnomAD 0.00001; TOPMed 0.00001; gnomAD exomes 0.00002; ExAC 0.00004; ESP Exome Variant Server 0.00008.
gnomAD v4.1: 25 of 1,613,888 alleles (0.0015%); highest among the groups gnomAD compares: Non-Finnish European, 0.0019%; no homozygotes.

Submission:

Labcorp Genetics (formerly Invitae), Labcorp
Classification: Uncertain significance. Last evaluated: 2022-06-20. Review status: criteria provided, single submitter. Criteria: Invitae Variant Classification Sherloc (09022015). Collection method: clinical testing. Allele origin: germline.
Comment: This variant has not been reported in the literature in individuals affected with CDK5RAP2-related conditions. This variant is present in population databases (rs370366333, gnomAD 0.007%). This sequence change replaces proline, which is neutral and non-polar, with alanine, which is neutral and non-polar, at codon 1002 of the CDK5RAP2 protein (p.Pro1002Ala). Algorithms developed to predict the effect of missense changes on protein structure and function output the following: SIFT: "Tolerated"; PolyPhen-2: "Benign"; Align-GVGD: "Class C0". The alanine amino acid residue is found in multiple mammalian species, which suggests that this missense change does not adversely affect protein function. In summary, the available evidence is currently insufficient to determine the role of this variant in disease. Therefore, it has been classified as a Variant of Uncertain Significance.